The following is an entry in ClinVar:

NM_000341.4(SLC3A1):c.1955C>G (p.Thr652Arg)

Genes: PREPL (prolyl endopeptidase like; minus strand), SLC3A1 (solute carrier family 3 member 1; plus strand). Cytogenetic location: 2p21.
Variant type: single nucleotide variant.
Coding change: c.1955C>G on transcript NM_000341.4 (MANE Select); coding-DNA position 1955, C replaced by G.
Protein change: p.Thr652Arg; replaces threonine 652 with arginine.
Molecular consequence: missense variant. On other transcripts: 3 prime UTR variant (10).
Genome position (GRCh38, 1-based): chr2:44,320,536, C>G. VCF-style: chr2-44320536-C-G. GRCh37 (hg19) VCF-style: chr2-44547675-C-G.
Other names: c.*820G>C (NM_001374276.1, NM_001374277.1, NM_006036.4 and 7 more transcripts); short protein forms T652R.
Identifiers: ClinVar variation 18119 (VCV000018119.3), dbSNP rs121912695, ClinGen allele CA127834.

ClinVar aggregate classification (germline): Uncertain significance. Review status: criteria provided, multiple submitters, no conflicts (2 of 4 stars). 3 submissions from 3 submitters: Uncertain significance (2). 1 of the submissions does not count toward it. Last evaluated 2025-11-13.

Conditions:
Cystinuria (CSNU). Also called: CYSTINURIA, TYPE I; CYSTINURIA, TYPE II; CYSTINURIA, TYPE III; Cystinuria, non-type I. Identifiers: Orphanet 214, MedGen C0010691, MONDO:0009067, OMIM 220100, HP:0003131.

gnomAD v4.1: 7 of 1,614,036 alleles (0.00043%); highest among the groups gnomAD compares: Non-Finnish European, 0.00051%; no homozygotes.

Submissions (3):

Women's Health and Genetics/Laboratory Corporation of America, LabCorp
Classification: Uncertain significance. Last evaluated: 2025-11-13. Review status: criteria provided, single submitter. Criteria: LabCorp Variant Classification Summary - May 2015. Collection method: clinical testing. Allele origin: germline.
Comment: Variant summary: SLC3A1 c.1955C>G (p.Thr652Arg) results in a non-conservative amino acid change in the encoded protein sequence. Algorithms developed to predict the effect of missense changes on protein structure and function all suggest that this variant is likely to be disruptive. The variant was absent in 248582 control chromosomes (gnomAD). The available data on variant occurrences in the general population are insufficient to allow any conclusion about variant significance. c.1955C>G has been observed in individuals affected with Cystinuria (Calonge_1994, Bisceglia_2001). These data do not allow any conclusion about variant significance. To our knowledge, no experimental evidence demonstrating an impact on protein function has been reported. The following publications have been ascertained in the context of this evaluation (PMID: 11260385, 8054986, 7573036). ClinVar contains an entry for this variant (Variation ID: 18119). Based on the evidence outlined above, the variant was classified as uncertain significance.

Department of Pathology and Laboratory Medicine, Sinai Health System
Classification: Uncertain significance for Cystinuria. Last evaluated: 2023-03-14. Review status: criteria provided, single submitter. Criteria: ACMG Guidelines, 2015. Collection method: research. Allele origin: germline.

OMIM
Classification: Pathogenic for CYSTINURIA. Last evaluated: 1994-04-01. Review status: no assertion criteria provided. Collection method: literature only. Allele origin: germline. Not counted in ClinVar's aggregate classification.

Literature cited by the submitters: PubMed 8054986 (cited by Women's Health and Genetics/Laboratory Corporation of America, LabCorp and OMIM); PubMed 11260385 (cited by Women's Health and Genetics/Laboratory Corporation of America, LabCorp); PubMed 7573036 (cited by Women's Health and Genetics/Laboratory Corporation of America, LabCorp).